The following is an entry in ClinVar:

ClinVar aggregate classification (germline): Uncertain significance (1 of 4 stars; one submission).

Conditions:
Chédiak-Higashi syndrome (CHS). Also called: Chediak-Higashi Syndrome. Identifiers: Orphanet 167, MedGen C0007965, MONDO:0008963, OMIM 214500.

Allele frequency attached by ClinVar (database versions not stated): gnomAD exomes below 0.00001; gnomAD 0.00001; TOPMed 0.00001; ExAC 0.00003.
gnomAD v4.1: 7 of 1,613,942 alleles (0.00043%); highest among the groups gnomAD compares: East Asian, 0.016%; no homozygotes.

Submission:

Labcorp Genetics (formerly Invitae), Labcorp
Classification: Uncertain significance for Chédiak-Higashi syndrome. Last evaluated: 2022-07-19. Review status: criteria provided, single submitter. Criteria: Invitae Variant Classification Sherloc (09022015). Collection method: clinical testing. Allele origin: germline.
Comment: This sequence change replaces arginine, which is basic and polar, with glycine, which is neutral and non-polar, at codon 917 of the LYST protein (p.Arg917Gly). This variant is present in population databases (rs750732627, gnomAD 0.05%). This variant has not been reported in the literature in individuals affected with LYST-related conditions. ClinVar contains an entry for this variant (Variation ID: 1354658). Algorithms developed to predict the effect of missense changes on protein structure and function output the following: SIFT: "Tolerated"; PolyPhen-2: "Benign"; Align-GVGD: "Class C0". The glycine amino acid residue is found in multiple mammalian species, which suggests that this missense change does not adversely affect protein function. In summary, the available evidence is currently insufficient to determine the role of this variant in disease. Therefore, it has been classified as a Variant of Uncertain Significance.

NM_000081.4(LYST):c.2749A>G (p.Arg917Gly)

Gene: LYST (lysosomal trafficking regulator; minus strand). Cytogenetic location: 1q42.3.
Variant type: single nucleotide variant.
Coding change: c.2749A>G on transcript NM_000081.4 (MANE Select); coding-DNA position 2749, A replaced by G.
Protein change: p.Arg917Gly; replaces arginine 917 with glycine.
Molecular consequence: missense variant.
Genome position (GRCh38, 1-based): chr1:235,806,387, T>C on the plus strand (A>G on the coding strand, the complement: LYST is on the minus strand). VCF-style: chr1-235806387-T-C. GRCh37 (hg19) VCF-style: chr1-235969687-T-C.
Other names: c.2749A>G, p.Arg917Gly (NM_001301365.1); short protein forms R917G.
Identifiers: ClinVar variation 1354658 (VCV001354658.3), dbSNP rs750732627, ClinGen allele CA1467220.